The following is an entry in ClinVar:

ClinVar aggregate classification (germline): Uncertain significance (1 of 4 stars; one submission).

Conditions:
Primary familial hypertrophic cardiomyopathy (HCM). Identifiers: Orphanet 99739, MedGen C0949658, MeSH D024741, MONDO:0024573. Inheritance: Various modes of inheritance.

Submission:

Labcorp Genetics (formerly Invitae), Labcorp
Classification: Uncertain significance for Primary familial hypertrophic cardiomyopathy. Last evaluated: 2022-12-08. Review status: criteria provided, single submitter. Criteria: Invitae Variant Classification Sherloc (09022015). Collection method: clinical testing. Allele origin: germline.
Comment: In summary, the available evidence is currently insufficient to determine the role of this variant in disease. Therefore, it has been classified as a Variant of Uncertain Significance. Variants that disrupt the consensus splice site are a relatively common cause of aberrant splicing (PMID: 17576681, 9536098). Algorithms developed to predict the effect of sequence changes on RNA splicing suggest that this variant is not likely to affect RNA splicing. This variant has not been reported in the literature in individuals affected with ILK-related conditions. This variant is not present in population databases (gnomAD no frequency). This sequence change falls in intron 5 of the ILK gene. It does not directly change the encoded amino acid sequence of the ILK protein. It affects a nucleotide within the consensus splice site.

Literature cited by the submitters: PubMed 17576681; PubMed 9536098.

NM_004517.4(ILK):c.448+4dup

Genes: ILK (integrin linked kinase; plus strand), TAF10 (TATA-box binding protein associated factor 10; minus strand). Cytogenetic location: 11p15.4.
Variant type: Duplication.
Coding change: c.448+4dup on transcript NM_004517.4 (MANE Select); 4 bases into the intron after coding-DNA position 448, one base duplicated (C; older notation c.448+4dupC).
Molecular consequence: intron variant. On other transcripts: 3 prime UTR variant (1).
Genome position (GRCh38, 1-based): chr11:6,608,794, C duplicated; the last of 2 consecutive C bases (chr11:6,608,793-6,608,794); duplicating either gives the same sequence. VCF-style (leftmost placement, unchanged base first): chr11-6608792-T-TC. GRCh37 (hg19) VCF-style: chr11-6630022-T-TC.
Other names: c.*2129dup (NM_006284.4); c.448+4dup (NM_001014795.3, NM_001014794.3); c.352-90dup (NM_001278441.2); c.46+4dup (NM_001278442.2).
Identifiers: ClinVar variation 2812211 (VCV002812211.3), dbSNP rs1254352312, ClinGen allele CA679356453.